The following is an entry in ClinVar:

ClinVar aggregate classification (germline): Pathogenic (1 of 4 stars; one submission).

Conditions:
Hereditary factor XI deficiency disease. Also called: PLASMA THROMBOPLASTIN ANTECEDENT DEFICIENCY; PTA DEFICIENCY; ROSENTHAL SYNDROME; Congenital factor XI deficiency. Identifiers: Orphanet 329, MedGen C0015523, MeSH D005173, MONDO:0012897, OMIM 612416.

Submission:

Myriad Genetics, Inc.
Classification: Pathogenic for Hereditary factor XI deficiency disease. Last evaluated: 2024-05-14. Review status: criteria provided, single submitter. Criteria: Myriad Autosomal Dominant, Autosomal Recessive and X-Linked Classification Criteria (2023). Collection method: clinical testing. Allele origin: unknown.
Comment: NM_000128.3(F11):c.627_628ins8(F210Tfs*142) is expected to be pathogenic in the context of factor XI deficiency. This variant is predicted to lead to an abnormal or absent protein product due to the creation of a premature termination codon in F11, a gene where loss-of-function variants are known to be pathogenic. Please note: this variant was assessed in the context of healthy population screening.

NM_000128.4(F11):c.627_628insACTGTCTC (p.Phe210fs)

Gene: F11 (coagulation factor XI; plus strand). Cytogenetic location: 4q35.2.
Variant type: Insertion.
Coding change: c.627_628insACTGTCTC on transcript NM_000128.4 (MANE Select); coding-DNA positions 627 to 628, ACTGTCTC inserted.
Protein change: p.Phe210fs; shifts the reading frame from phenylalanine 210.
Molecular consequence: frameshift variant. On other transcripts: intron variant (4).
Genome position: GRCh38 VCF-style: chr4-186276262-G-GACTGTCTC. GRCh37 (hg19) VCF-style: chr4-187197416-G-GACTGTCTC.
Other names: c.627_628insACTGTCTC, p.Phe210fs (NM_001440590.1, NM_001440593.1, NM_001440596.1); c.485+1987_485+1988insACTGTCTC (NM_001440605.1, NM_001440607.1, NM_001440606.1 and 1 more transcripts); short protein forms F210fs.
Identifiers: ClinVar variation 5011006 (VCV005011006.1).